The following is an entry in ClinVar:

ClinVar aggregate classification (germline): Uncertain significance. Review status: criteria provided, multiple submitters, no conflicts (2 of 4 stars). 3 submissions from 3 submitters: Uncertain significance (3). Last evaluated 2025-10-22.

Conditions:
Hereditary cancer-predisposing syndrome. Also called: Neoplastic Syndromes, Hereditary; Hereditary Cancer Syndrome; Tumor predisposition; Hereditary neoplastic syndrome. Identifiers: Orphanet 140162, MedGen C0027672, MeSH D009386, MONDO:0015356.
Tuberous sclerosis 2 (TSC2). Identifiers: Orphanet 805, MedGen C1860707, MONDO:0013199, OMIM 613254.

Submissions (3):

Ambry Genetics
Classification: Uncertain significance for Hereditary cancer-predisposing syndrome. Last evaluated: 2025-10-22. Review status: criteria provided, single submitter. Criteria: Ambry Variant Classification Scheme 2023. Collection method: clinical testing. Allele origin: germline.
Comment: The p.V813L variant (also known as c.2437G>T), located in coding exon 21 of the TSC2 gene, results from a G to T substitution at nucleotide position 2437. The valine at codon 813 is replaced by leucine, an amino acid with highly similar properties. This amino acid position is well conserved in available vertebrate species. In addition, the in silico prediction for this alteration is inconclusive. Based on the available evidence, the clinical significance of this variant remains unclear.

Labcorp Genetics (formerly Invitae), Labcorp
Classification: Uncertain significance for Tuberous sclerosis 2. Last evaluated: 2024-04-05. Review status: criteria provided, single submitter. Criteria: Invitae Variant Classification Sherloc (09022015). Collection method: clinical testing. Allele origin: germline.
Comment: This sequence change replaces valine, which is neutral and non-polar, with leucine, which is neutral and non-polar, at codon 813 of the TSC2 protein (p.Val813Leu). This variant is not present in population databases (gnomAD no frequency). This variant has not been reported in the literature in individuals affected with TSC2-related conditions. ClinVar contains an entry for this variant (Variation ID: 1692488). Advanced modeling of protein sequence and biophysical properties (such as structural, functional, and spatial information, amino acid conservation, physicochemical variation, residue mobility, and thermodynamic stability) performed at Invitae indicates that this missense variant is not expected to disrupt TSC2 protein function with a negative predictive value of 95%. In summary, the available evidence is currently insufficient to determine the role of this variant in disease. Therefore, it has been classified as a Variant of Uncertain Significance.

Sema4
Classification: Uncertain significance for Hereditary cancer-predisposing syndrome. Last evaluated: 2021-08-12. Review status: criteria provided, single submitter. Criteria: Sema4 Curation Guidelines. Collection method: curation. Allele origin: germline.
Comment: The TSC2 c.2437G>T (p.V813L) variant has not been reported in the literature in individuals with TSC2-related disease to our knowledge. It was not observed in the large and broad cohorts of the Genome Aggregation Database. The variant has not been reported in ClinVar. Functional studies have not been performed, and in silico predictions of the variant's effect on protein function are inconclusive. The evidence is insufficient to meet ACMG/AMP criteria for classifying the variant as benign or pathogenic. Thus, the clinical significance of this variant is currently uncertain.

NM_000548.5(TSC2):c.2437G>T (p.Val813Leu)

Gene: TSC2 (TSC complex subunit 2; plus strand). Cytogenetic location: 16p13.3.
Variant type: single nucleotide variant.
Coding change: c.2437G>T on transcript NM_000548.5 (MANE Select); coding-DNA position 2437, G replaced by T.
Protein change: p.Val813Leu; replaces valine 813 with leucine.
Molecular consequence: missense variant.
Genome position (GRCh38, 1-based): chr16:2,074,281, G>T. VCF-style: chr16-2074281-G-T. GRCh37 (hg19) VCF-style: chr16-2124282-G-T.
Other names: c.2437G>T, p.Val813Leu (NM_001077183.3, NM_001114382.3, NM_001363528.2 and 3 more transcripts); c.2326G>T, p.Val776Leu (NM_001318827.2); c.2290G>T, p.Val764Leu (NM_001318829.2); c.1837G>T, p.Val613Leu (NM_001318831.2); c.2470G>T, p.Val824Leu (NM_001318832.2); short protein forms V613L, V764L, V776L, V813L, V824L.
Identifiers: ClinVar variation 1692488 (VCV001692488.7), dbSNP rs375030314, ClinGen allele CA394277380.
Genomic context (GRCh38, chr16:2,074,281, plus strand): 5'-GAGCAGGGCCTCATCCACCGCTGTGCCAGCCAGTGCGTCGTGGCCTTGTCCATCTGCAGC[G>T]TGGAGATGCCTGACATCATCATCAAGGCGCTGCCTGTTCTGGTGGTGAAGCTCACGCACA-3'
Protein context (NP_000539.2, residues 803-823): QCVVALSICS[Val813Leu]EMPDIIIKAL